The following is an entry in ClinVar:

ClinVar aggregate classification (germline): Likely benign (1 of 4 stars; one submission).

Conditions:
FUS-related disorder. Also called: FUS-related condition.

Submission:

PreventionGenetics, part of Exact Sciences
Classification: Likely benign for FUS-related condition. Last evaluated: 2024-12-31. Review status: criteria provided, single submitter. Criteria: ACMG Guidelines, 2015. Collection method: clinical testing. Allele origin: germline.
Comment: This variant is classified as likely benign based on ACMG/AMP sequence variant interpretation guidelines (Richards et al. 2015 PMID: 25741868, with internal and published modifications).

NM_004960.4(FUS):c.1542-8_1542-5dup

Gene: FUS (FUS RNA binding protein; plus strand). Cytogenetic location: 16p11.2.
Variant type: Duplication.
Coding change: c.1542-8_1542-5dup on transcript NM_004960.4 (MANE Select); 8 bases into the intron before coding-DNA position 1542 through 5 bases into the intron before coding-DNA position 1542, 4 bases duplicated (TTTT; older notation c.1542-8_1542-5dupTTTT).
Molecular consequence: intron variant.
Genome position (GRCh38, 1-based): chr16:31,191,391-31,191,394, TTTT duplicated; duplicating any 4 consecutive bases within chr16:31,191,378-31,191,394 gives the same sequence; the c. name uses the placement nearest the transcript's 3' end. VCF-style (leftmost placement, unchanged base first): chr16-31191377-A-ATTTT. GRCh37 (hg19) VCF-style: chr16-31202698-A-ATTTT.
Other names: c.1530-8_1530-5dup (NM_001170937.1); c.1539-8_1539-5dup (NM_001170634.1).
Identifiers: ClinVar variation 4977862 (VCV004977862.1).